The following is an entry in ClinVar:

NM_001903.5(CTNNA1):c.520G>A (p.Gly174Arg)

Gene: CTNNA1 (catenin alpha 1; plus strand). Cytogenetic location: 5q31.2.
Variant type: single nucleotide variant.
Coding change: c.520G>A on transcript NM_001903.5 (MANE Select); coding-DNA position 520, G replaced by A.
Protein change: p.Gly174Arg; replaces glycine 174 with arginine.
Molecular consequence: missense variant.
Genome position (GRCh38, 1-based): chr5:138,812,234, G>A. VCF-style: chr5-138812234-G-A. GRCh37 (hg19) VCF-style: chr5-138147923-G-A.
Other names: c.520G>A, p.Gly174Arg (NM_001290307.3, NM_001323982.2, NM_001323983.1 and 3 more transcripts); c.211G>A, p.Gly71Arg (NM_001290309.3); c.151G>A, p.Gly51Arg (NM_001290310.3); short protein forms G174R, G51R, G71R.
Identifiers: ClinVar variation 1493667 (VCV001493667.11), dbSNP rs761836161, ClinGen allele CA361125234.

ClinVar aggregate classification (germline): Uncertain significance. Review status: criteria provided, multiple submitters, no conflicts (2 of 4 stars). 2 submissions from 2 submitters: Uncertain significance (2). Last evaluated 2025-04-22.

Conditions:
Hereditary cancer-predisposing syndrome. Also called: Tumor predisposition; Hereditary neoplastic syndrome; Neoplastic Syndromes, Hereditary; Hereditary Cancer Syndrome. Identifiers: Orphanet 140162, MedGen C0027672, MeSH D009386, MONDO:0015356.

gnomAD v4.1: 4 of 1,613,764 alleles (0.00025%); highest among the groups gnomAD compares: Non-Finnish European, 0.00034%; no homozygotes.

Submissions (2):

Ambry Genetics
Classification: Uncertain significance for Hereditary cancer-predisposing syndrome. Last evaluated: 2025-04-22. Review status: criteria provided, single submitter. Criteria: Ambry Variant Classification Scheme 2023. Collection method: clinical testing. Allele origin: germline.
Comment: The p.G174R variant (also known as c.520G>A), located in coding exon 4 of the CTNNA1 gene, results from a G to A substitution at nucleotide position 520. The glycine at codon 174 is replaced by arginine, an amino acid with dissimilar properties. This amino acid position is conserved. In addition, the in silico prediction for this alteration is inconclusive. Since supporting evidence is limited at this time, the clinical significance of this alteration remains unclear.

Labcorp Genetics (formerly Invitae), Labcorp
Classification: Uncertain significance. Last evaluated: 2022-05-30. Review status: criteria provided, single submitter. Criteria: Invitae Variant Classification Sherloc (09022015). Collection method: clinical testing. Allele origin: germline.
Comment: In summary, the available evidence is currently insufficient to determine the role of this variant in disease. Therefore, it has been classified as a Variant of Uncertain Significance. Algorithms developed to predict the effect of missense changes on protein structure and function are either unavailable or do not agree on the potential impact of this missense change (SIFT: "Deleterious"; PolyPhen-2: "Benign"; Align-GVGD: "Class C0"). ClinVar contains an entry for this variant (Variation ID: 1493667). This variant has not been reported in the literature in individuals affected with CTNNA1-related conditions. This variant is not present in population databases (gnomAD no frequency). This sequence change replaces glycine, which is neutral and non-polar, with arginine, which is basic and polar, at codon 174 of the CTNNA1 protein (p.Gly174Arg).